The following is an entry in ClinVar:

NM_001079802.2(FKTN):c.367G>T (p.Glu123Ter)

Gene: FKTN (fukutin; plus strand). Cytogenetic location: 9q31.2.
Variant type: single nucleotide variant.
Coding change: c.367G>T on transcript NM_001079802.2 (MANE Select); coding-DNA position 367, G replaced by T.
Protein change: p.Glu123Ter; replaces glutamic acid 123 with a stop codon.
Molecular consequence: nonsense. On other transcripts: 5 prime UTR variant (4), non-coding transcript variant (2).
Genome position (GRCh38, 1-based): chr9:105,601,346, G>T. VCF-style: chr9-105601346-G-T. GRCh37 (hg19) VCF-style: chr9-108363627-G-T.
Other names: c.367G>T, p.Glu123Ter (NM_001198963.2, NM_001351496.2, NM_001351498.2 and 1 more transcripts); c.298G>T, p.Glu100Ter (NM_001351497.2); c.-148G>T (NM_001351499.2, NM_001351500.2, NM_001351501.2 and 1 more transcripts); short protein forms E100*, E123*.
Identifiers: ClinVar variation 958466 (VCV000958466.8), dbSNP rs1376019203, ClinGen allele CA374331839.

ClinVar aggregate classification (germline): Pathogenic/Likely pathogenic. Review status: criteria provided, multiple submitters, no conflicts (2 of 4 stars). 2 submissions from 2 submitters: Pathogenic (1); Likely pathogenic (1). Last evaluated 2025-01-27.

Conditions:
Dilated cardiomyopathy 1X (CMD1X). Also called: CARDIOMYOPATHY, DILATED, WITH MILD OR NO PROXIMAL MUSCLE WEAKNESS; FKTN-Related Dilated Cardiomyopathy. Identifiers: Orphanet 154, MedGen C1969024, MONDO:0012704, OMIM 611615.
Walker-Warburg congenital muscular dystrophy. Also called: Muscular dystrophy-dystroglycanopathy, type A; Walker-Warburg syndrome. Identifiers: Orphanet 899, MedGen C0265221, MONDO:0000171.

Allele frequency attached by ClinVar (database versions not stated): gnomAD exomes below 0.00001.
gnomAD v4.1: 2 of 1,589,918 alleles (0.00013%); highest among the groups gnomAD compares: Admixed American, 0.0033%; no homozygotes.

Submissions (2):

Labcorp Genetics (formerly Invitae), Labcorp
Classification: Pathogenic for Walker-Warburg congenital muscular dystrophy. Last evaluated: 2025-01-27. Review status: criteria provided, single submitter. Criteria: Invitae Variant Classification Sherloc (09022015). Collection method: clinical testing. Allele origin: germline.
Comment: This sequence change creates a premature translational stop signal (p.Glu123*) in the FKTN gene. It is expected to result in an absent or disrupted protein product. Loss-of-function variants in FKTN are known to be pathogenic (PMID: 17044012, 17878207, 18752264). The frequency data for this variant in the population databases is considered unreliable, as metrics indicate poor data quality at this position in the gnomAD database. This variant has not been reported in the literature in individuals affected with FKTN-related conditions. ClinVar contains an entry for this variant (Variation ID: 958466). For these reasons, this variant has been classified as Pathogenic.

Baylor Genetics
Classification: Likely pathogenic for Dilated cardiomyopathy 1X. Last evaluated: 2023-03-29. Review status: criteria provided, single submitter. Criteria: ACMG Guidelines, 2015. Collection method: clinical testing. Allele origin: unknown.

Literature cited by the submitters: PubMed 17044012 (cited by Labcorp Genetics (formerly Invitae), Labcorp); PubMed 17878207 (cited by Labcorp Genetics (formerly Invitae), Labcorp); PubMed 18752264 (cited by Labcorp Genetics (formerly Invitae), Labcorp).